The following is an entry in ClinVar:

ClinVar aggregate classification (germline): Pathogenic (1 of 4 stars; one submission).

Submission:

Labcorp Genetics (formerly Invitae), Labcorp
Classification: Pathogenic. Last evaluated: 2025-06-26. Review status: criteria provided, single submitter. Criteria: Invitae Variant Classification Sherloc (09022015). Collection method: clinical testing. Allele origin: germline.
Comment: This sequence change creates a premature translational stop signal (p.Val23*) in the NRL gene. It is expected to result in an absent or disrupted protein product. Loss-of-function variants in NRL are known to be pathogenic (PMID: 11694879, 15591106). This variant is not present in population databases (gnomAD no frequency). This variant has not been reported in the literature in individuals affected with NRL-related conditions. For these reasons, this variant has been classified as Pathogenic.

Literature cited by the submitters: PubMed 11694879; PubMed 15591106.

NM_001354768.3(NRL):c.67del (p.Glu22_Val23insTer)

Gene: NRL (neural retina leucine zipper; minus strand). Cytogenetic location: 14q11.2.
Variant type: Deletion.
Coding change: c.67del on transcript NM_001354768.3 (MANE Select); coding-DNA position 67, one base deleted (G; older notation c.67delG).
Protein change: p.Glu22_Val23insTer.
Molecular consequence: nonsense. On other transcripts: splice donor variant (1).
Genome position (GRCh38, 1-based): chr14:24,082,782, C deleted on the plus strand (G on the coding strand, the reverse complement: NRL is on the minus strand); the first of 2 consecutive C bases (chr14:24,082,782-24,082,783); deleting either gives the same sequence. VCF-style (leftmost placement, unchanged base first): chr14-24082781-AC-A. GRCh37 (hg19) VCF-style: chr14-24551990-AC-A.
Other names: c.67del, p.Glu22_Val23insTer (NM_001354769.1, NM_006177.5); c.66+1del (NM_001354770.2).
Identifiers: ClinVar variation 4722074 (VCV004722074.1).